The following is an entry in ClinVar:

ClinVar aggregate classification (germline): Uncertain significance (1 of 4 stars; one submission).

Conditions:
Developmental and epileptic encephalopathy 94 (DEE94). Also called: CHD2-Related Neurodevelopmental Disorders; Epileptic encephalopathy, childhood-onset. Identifiers: Orphanet 1942, Orphanet 2382, MedGen C3809278, MONDO:0014150, OMIM 615369.

Allele frequency attached by ClinVar (database versions not stated): ExAC 0.00001.

Submission:

Labcorp Genetics (formerly Invitae), Labcorp
Classification: Uncertain significance for Developmental and epileptic encephalopathy 94. Last evaluated: 2023-11-08. Review status: criteria provided, single submitter. Criteria: Invitae Variant Classification Sherloc (09022015). Collection method: clinical testing. Allele origin: germline.
Comment: This sequence change replaces alanine, which is neutral and non-polar, with proline, which is neutral and non-polar, at codon 431 of the CHD2 protein (p.Ala431Pro). This variant is present in population databases (rs776741022, gnomAD 0.0009%). This variant has not been reported in the literature in individuals affected with CHD2-related conditions. Advanced modeling of protein sequence and biophysical properties (such as structural, functional, and spatial information, amino acid conservation, physicochemical variation, residue mobility, and thermodynamic stability) performed at Invitae indicates that this missense variant is not expected to disrupt CHD2 protein function with a negative predictive value of 95%. In summary, the available evidence is currently insufficient to determine the role of this variant in disease. Therefore, it has been classified as a Variant of Uncertain Significance.

NM_001271.4(CHD2):c.1291G>C (p.Ala431Pro)

Gene: CHD2 (chromodomain helicase DNA binding protein 2; plus strand). Cytogenetic location: 15q26.1.
Variant type: single nucleotide variant.
Coding change: c.1291G>C on transcript NM_001271.4 (MANE Select); coding-DNA position 1291, G replaced by C.
Protein change: p.Ala431Pro; replaces alanine 431 with proline.
Molecular consequence: missense variant.
Genome position (GRCh38, 1-based): chr15:92,946,130, G>C. VCF-style: chr15-92946130-G-C. GRCh37 (hg19) VCF-style: chr15-93489360-G-C.
Other names: c.1291G>C, p.Ala431Pro (NM_001042572.3); short protein forms A431P.
Identifiers: ClinVar variation 2860557 (VCV002860557.3), dbSNP rs776741022, ClinGen allele CA7747769.
Genomic context (GRCh38, chr15:92,946,130, plus strand): 5'-CCCGAATATCTATGTAAATGGATGGGACTCCCCTATTCAGAGTGTAGCTGGGAAGATGAA[G>C]CCCTCATTGGAAAGAAATTCCAGAATTGCATTGACAGCTTCCACAGTAGGAACAACTCAA-3'
Protein context (NP_001262.3, residues 421-441): PYSECSWEDE[Ala431Pro]LIGKKFQNCI